The following is an entry in ClinVar:

NM_015295.3(SMCHD1):c.353T>C (p.Leu118Ser)

Gene: SMCHD1 (structural maintenance of chromosomes flexible hinge domain containing 1; plus strand). Cytogenetic location: 18p11.32.
Variant type: single nucleotide variant.
Coding change: c.353T>C on transcript NM_015295.3 (MANE Select); coding-DNA position 353, T replaced by C.
Protein change: p.Leu118Ser; replaces leucine 118 with serine.
Molecular consequence: missense variant.
Genome position (GRCh38, 1-based): chr18:2,666,960, T>C. VCF-style: chr18-2666960-T-C. GRCh37 (hg19) VCF-style: chr18-2666959-T-C.
Other names: short protein forms L118S.
Identifiers: ClinVar variation 1720963 (VCV001720963.5), dbSNP rs2073458333, ClinGen allele CA401687983.

ClinVar aggregate classification (germline): Uncertain significance (1 of 4 stars; one submission).

Conditions:
Facioscapulohumeral muscular dystrophy 2 (FSHD2). Also called: MUSCULAR DYSTROPHY, FACIOSCAPULOHUMERAL, TYPE 1B; FACIOSCAPULOHUMERAL MUSCULAR DYSTROPHY 2, DIGENIC; FSHD2, DIGENIC. Identifiers: Orphanet 269, MedGen C1834671, MONDO:0008031, OMIM 158901.

Allele frequency attached by ClinVar (database versions not stated): TOPMed below 0.00001.

Submission:

Labcorp Genetics (formerly Invitae), Labcorp
Classification: Uncertain significance for Facioscapulohumeral muscular dystrophy 2. Last evaluated: 2022-10-05. Review status: criteria provided, single submitter. Criteria: Invitae Variant Classification Sherloc (09022015). Collection method: clinical testing. Allele origin: germline.
Comment: In summary, the available evidence is currently insufficient to determine the role of this variant in disease. Therefore, it has been classified as a Variant of Uncertain Significance. Advanced modeling of protein sequence and biophysical properties (such as structural, functional, and spatial information, amino acid conservation, physicochemical variation, residue mobility, and thermodynamic stability) has been performed at Invitae for this missense variant, however the output from this modeling did not meet the statistical confidence thresholds required to predict the impact of this variant on SMCHD1 protein function. This variant has not been reported in the literature in individuals affected with SMCHD1-related conditions. This variant is not present in population databases (gnomAD no frequency). This sequence change replaces leucine, which is neutral and non-polar, with serine, which is neutral and polar, at codon 118 of the SMCHD1 protein (p.Leu118Ser).